The following is an entry in ClinVar:

ClinVar aggregate classification (germline): Uncertain significance (1 of 4 stars; one submission).

Submission:

Labcorp Genetics (formerly Invitae), Labcorp
Classification: Uncertain significance. Last evaluated: 2019-01-12. Review status: criteria provided, single submitter. Criteria: Invitae Variant Classification Sherloc (09022015). Collection method: clinical testing. Allele origin: germline.
Comment: This variant is not present in population databases (ExAC no frequency). In summary, the available evidence is currently insufficient to determine the role of this variant in disease. Therefore, it has been classified as a Variant of Uncertain Significance. Algorithms developed to predict the effect of missense changes on protein structure and function (SIFT, PolyPhen-2, Align-GVGD) all suggest that this variant is likely to be tolerated, but these predictions have not been confirmed by published functional studies and their clinical significance is uncertain. This variant has not been reported in the literature in individuals with PRKN-related conditions. This sequence change replaces asparagine with aspartic acid at codon 313 of the PRKN protein (p.Asn313Asp). The asparagine residue is weakly conserved and there is a small physicochemical difference between asparagine and aspartic acid.

NM_004562.3(PRKN):c.937A>G (p.Asn313Asp)

Gene: PRKN (parkin RBR E3 ubiquitin protein ligase; minus strand). Cytogenetic location: 6q26.
Variant type: single nucleotide variant.
Coding change: c.937A>G on transcript NM_004562.3 (MANE Select); coding-DNA position 937, A replaced by G.
Protein change: p.Asn313Asp; replaces asparagine 313 with aspartic acid.
Molecular consequence: missense variant.
Genome position (GRCh38, 1-based): chr6:161,549,000, T>C on the plus strand (A>G on the coding strand, the complement: PRKN is on the minus strand). VCF-style: chr6-161549000-T-C. GRCh37 (hg19) VCF-style: chr6-161970032-T-C.
Other names: c.853A>G, p.Asn285Asp (NM_013987.3); c.490A>G, p.Asn164Asp (NM_013988.3); short protein forms N164D, N285D, N313D.
Identifiers: ClinVar variation 639788 (VCV000639788.10), dbSNP rs1583215669, ClinGen allele CA366460598.